The following is an entry in ClinVar:

NM_000135.4(FANCA):c.2137C>T (p.Pro713Ser)

Gene: FANCA (FA complementation group A; minus strand). Cytogenetic location: 16q24.3.
Variant type: single nucleotide variant.
Coding change: c.2137C>T on transcript NM_000135.4 (MANE Select); coding-DNA position 2137, C replaced by T.
Protein change: p.Pro713Ser; replaces proline 713 with serine.
Molecular consequence: missense variant.
Genome position (GRCh38, 1-based): chr16:89,771,692, G>A on the plus strand (C>T on the coding strand, the complement: FANCA is on the minus strand). VCF-style: chr16-89771692-G-A. GRCh37 (hg19) VCF-style: chr16-89838100-G-A.
Other names: c.2137C>T, p.Pro713Ser (NM_001286167.3); short protein forms P713S.
Identifiers: ClinVar variation 4870910 (VCV004870910.1).

ClinVar aggregate classification (germline): Uncertain significance (1 of 4 stars; one submission).

Conditions:
Inborn genetic diseases. Identifiers: MedGen C0950123, MeSH D030342.

Submission:

Ambry Genetics
Classification: Uncertain significance for Inborn genetic diseases. Last evaluated: 2026-06-08. Review status: criteria provided, single submitter. Criteria: Ambry Variant Classification Scheme 2023. Collection method: clinical testing. Allele origin: germline.
Comment: The p.P713S variant (also known as c.2137C>T), located in coding exon 23 of the FANCA gene, results from a C to T substitution at nucleotide position 2137. The proline at codon 713 is replaced by serine, an amino acid with similar properties. This amino acid position is conserved. In addition, this alteration is predicted to be tolerated by in silico analysis. Based on the available evidence, the clinical significance of this variant remains unclear.